The following is an entry in ClinVar:

NM_001165963.4(SCN1A):c.97A>G (p.Lys33Glu)

Gene: SCN1A (sodium voltage-gated channel alpha subunit 1; minus strand). Cytogenetic location: 2q24.3.
Variant type: single nucleotide variant.
Coding change: c.97A>G on transcript NM_001165963.4 (MANE Select); coding-DNA position 97, A replaced by G.
Protein change: p.Lys33Glu; replaces lysine 33 with glutamic acid.
Molecular consequence: missense variant. On other transcripts: 5 prime UTR variant (1), non-coding transcript variant (1).
Genome position (GRCh38, 1-based): chr2:166,073,525, T>C on the plus strand (A>G on the coding strand, the complement: SCN1A is on the minus strand). VCF-style: chr2-166073525-T-C. GRCh37 (hg19) VCF-style: chr2-166930035-T-C.
Other names: c.97A>G (NM_001165963.1); c.97A>G, p.Lys33Glu (NM_001165964.3, NM_001202435.3, NM_001353948.2 and 10 more transcripts); c.-2329A>G (NM_001353961.2); short protein forms K33E.
Identifiers: ClinVar variation 1036783 (VCV001036783.10), dbSNP rs375913842, ClinGen allele CA60270530.

ClinVar aggregate classification (germline): Uncertain significance. Review status: criteria provided, multiple submitters, no conflicts (2 of 4 stars). 2 submissions from 2 submitters: Uncertain significance (2). Last evaluated 2025-07-27.

Conditions:
Early-infantile DEE. Also called: Ohtahara syndrome; Early infantile epileptic encephalopathy with suppression bursts; Early infantile epileptic encephalopathy. Identifiers: Orphanet 1934, MedGen C0393706, MONDO:0800491.
Inborn genetic diseases. Identifiers: MedGen C0950123, MeSH D030342.

Allele frequency attached by ClinVar (database versions not stated): gnomAD exomes 0.00001 and below 0.00001; gnomAD 0.00001; TOPMed 0.00001; ESP Exome Variant Server 0.00008.
gnomAD v4.1: 9 of 1,614,078 alleles (0.00056%); highest among the groups gnomAD compares: Non-Finnish European, 0.00076%; no homozygotes.

Submissions (2):

Labcorp Genetics (formerly Invitae), Labcorp
Classification: Uncertain significance for Early-infantile DEE. Last evaluated: 2025-07-27. Review status: criteria provided, single submitter. Criteria: Invitae Variant Classification Sherloc (09022015). Collection method: clinical testing. Allele origin: germline.
Comment: This sequence change replaces lysine, which is basic and polar, with glutamic acid, which is acidic and polar, at codon 33 of the SCN1A protein (p.Lys33Glu). This variant is present in population databases (rs375913842, gnomAD 0.002%). This variant has not been reported in the literature in individuals affected with SCN1A-related conditions. ClinVar contains an entry for this variant (Variation ID: 1036783). Invitae Evidence Modeling of protein sequence and biophysical properties (such as structural, functional, and spatial information, amino acid conservation, physicochemical variation, residue mobility, and thermodynamic stability) has been performed for this missense variant. However, the output from this modeling did not meet the statistical confidence thresholds required to predict the impact of this variant on SCN1A protein function. In summary, the available evidence is currently insufficient to determine the role of this variant in disease. Therefore, it has been classified as a Variant of Uncertain Significance.

Ambry Genetics
Classification: Uncertain significance for Inborn genetic diseases. Last evaluated: 2024-12-04. Review status: criteria provided, single submitter. Criteria: Ambry Variant Classification Scheme 2023. Collection method: clinical testing. Allele origin: germline.